The following is an entry in ClinVar:

NM_001370259.2(MEN1):c.1538G>T (p.Gly513Val)

Gene: MEN1 (menin 1; minus strand). Cytogenetic location: 11q13.1.
Variant type: single nucleotide variant.
Coding change: c.1538G>T on transcript NM_001370259.2 (MANE Select); coding-DNA position 1538, G replaced by T.
Protein change: p.Gly513Val; replaces glycine 513 with valine.
Molecular consequence: missense variant. On other transcripts: non-coding transcript variant (4).
Genome position (GRCh38, 1-based): chr11:64,804,629, C>A on the plus strand (G>T on the coding strand, the complement: MEN1 is on the minus strand). VCF-style: chr11-64804629-C-A. GRCh37 (hg19) VCF-style: chr11-64572101-C-A.
Other names: c.1553G>T, p.Gly518Val (NM_000244.4, NM_001407145.1, NM_130800.3 and 4 more transcripts); c.1664G>T, p.Gly555Val (NM_001370251.2, NM_001407142.1, NM_001407143.1 and 1 more transcripts); c.1538G>T, p.Gly513Val (NM_001370260.2, NM_001370261.2, NM_001407146.1 and 2 more transcripts); c.1433G>T, p.Gly478Val (NM_001370262.2, NM_001370263.2, NM_001407148.1 and 1 more transcripts); c.1559G>T, p.Gly520Val (NM_001407151.1); c.1373G>T, p.Gly458Val (NM_001407152.1); c.1679G>T, p.Gly560Val (NM_001407150.1); short protein forms G560V, G520V, G555V, G518V, G458V, G478V, G513V.
Identifiers: ClinVar variation 4781005 (VCV004781005.1).

ClinVar aggregate classification (germline): Uncertain significance (1 of 4 stars; one submission).

Conditions:
Multiple endocrine neoplasia, type 1 (MEN1). Also called: MEN I; WERMER SYNDROME; Endocrine adenomatosis multiple; MEN 1; MEA I. Identifiers: Orphanet 652, MedGen C0025267, MeSH D018761, MONDO:0007540, OMIM 131100.

gnomAD v4.1: 1 of 1,606,274 alleles (0.000062%); highest among the groups gnomAD compares: Non-Finnish European, 0.000085%; no homozygotes.

Submission:

Labcorp Genetics (formerly Invitae), Labcorp
Classification: Uncertain significance for Multiple endocrine neoplasia, type 1. Last evaluated: 2025-07-30. Review status: criteria provided, single submitter. Criteria: Invitae Variant Classification Sherloc (09022015). Collection method: clinical testing. Allele origin: germline.
Comment: This sequence change replaces glycine, which is neutral and non-polar, with valine, which is neutral and non-polar, at codon 513 of the MEN1 protein (p.Gly513Val). This variant is not present in population databases (gnomAD no frequency). This variant has not been reported in the literature in individuals affected with MEN1-related conditions. Invitae Evidence Modeling of protein sequence and biophysical properties (such as structural, functional, and spatial information, amino acid conservation, physicochemical variation, residue mobility, and thermodynamic stability) indicates that this missense variant is not expected to disrupt MEN1 protein function with a negative predictive value of 80%. In summary, the available evidence is currently insufficient to determine the role of this variant in disease. Therefore, it has been classified as a Variant of Uncertain Significance.